The following is an entry in ClinVar:

NM_000321.3(RB1):c.2284C>A (p.Gln762Lys)

Gene: RB1 (RB transcriptional corepressor 1; plus strand). Cytogenetic location: 13q14.2.
Variant type: single nucleotide variant.
Coding change: c.2284C>A on transcript NM_000321.3 (MANE Select); coding-DNA position 2284, C replaced by A.
Protein change: p.Gln762Lys; replaces glutamine 762 with lysine.
Molecular consequence: missense variant.
Genome position (GRCh38, 1-based): chr13:48,465,070, C>A. VCF-style: chr13-48465070-C-A. GRCh37 (hg19) VCF-style: chr13-49039206-C-A.
Other names: short protein forms Q762K.
Identifiers: ClinVar variation 647177 (VCV000647177.12), dbSNP rs1593539225, ClinGen allele CA388167643.

ClinVar aggregate classification (germline): Uncertain significance. Review status: criteria provided, multiple submitters, no conflicts (2 of 4 stars). 2 submissions from 2 submitters: Uncertain significance (2). Last evaluated 2025-05-05.

Conditions:
Retinoblastoma (RB1). Also called: RETINOBLASTOMA, SOMATIC. Identifiers: Orphanet 790, MedGen C0035335, MeSH D012175, MONDO:0008380, OMIM 180200, HP:0009919. Disease mechanism: loss of function. Inheritance: Both sporadic and heritable forms are tested..
Hereditary cancer-predisposing syndrome. Also called: Hereditary Cancer Syndrome; Tumor predisposition; Hereditary neoplastic syndrome; Neoplastic Syndromes, Hereditary. Identifiers: Orphanet 140162, MedGen C0027672, MeSH D009386, MONDO:0015356.

Submissions (2):

Labcorp Genetics (formerly Invitae), Labcorp
Classification: Uncertain significance for Retinoblastoma. Last evaluated: 2025-05-05. Review status: criteria provided, single submitter. Criteria: Invitae Variant Classification Sherloc (09022015). Collection method: clinical testing. Allele origin: germline.
Comment: This sequence change replaces glutamine, which is neutral and polar, with lysine, which is basic and polar, at codon 762 of the RB1 protein (p.Gln762Lys). This variant is not present in population databases (gnomAD no frequency). This variant has not been reported in the literature in individuals affected with RB1-related conditions. ClinVar contains an entry for this variant (Variation ID: 647177). Invitae Evidence Modeling of protein sequence and biophysical properties (such as structural, functional, and spatial information, amino acid conservation, physicochemical variation, residue mobility, and thermodynamic stability) indicates that this missense variant is not expected to disrupt RB1 protein function with a negative predictive value of 80%. In summary, the available evidence is currently insufficient to determine the role of this variant in disease. Therefore, it has been classified as a Variant of Uncertain Significance.

Ambry Genetics
Classification: Uncertain significance for Hereditary cancer-predisposing syndrome. Last evaluated: 2024-07-06. Review status: criteria provided, single submitter. Criteria: Ambry Variant Classification Scheme 2023. Collection method: clinical testing. Allele origin: germline.
Comment: The p.Q762K variant (also known as c.2284C>A), located in coding exon 22 of the RB1 gene, results from a C to A substitution at nucleotide position 2284. The glutamine at codon 762 is replaced by lysine, an amino acid with similar properties. This amino acid position is conserved. In addition, the in silico prediction for this alteration is inconclusive. Since supporting evidence is limited at this time, the clinical significance of this alteration remains unclear.